The following is an entry in ClinVar:

ClinVar aggregate classification (germline): Uncertain significance (1 of 4 stars; one submission).

Conditions:
Immunodeficiency 67. Also called: Immunodeficiency due to interleukin-1 receptor-associated kinase-4 deficiency. Identifiers: Orphanet 70592, MedGen C1843256, MONDO:0011888, OMIM 607676.

Submission:

Labcorp Genetics (formerly Invitae), Labcorp
Classification: Uncertain significance for Immunodeficiency 67. Last evaluated: 2022-06-09. Review status: criteria provided, single submitter. Criteria: Invitae Variant Classification Sherloc (09022015). Collection method: clinical testing. Allele origin: germline.
Comment: In summary, the available evidence is currently insufficient to determine the role of this variant in disease. Therefore, it has been classified as a Variant of Uncertain Significance. Algorithms developed to predict the effect of missense changes on protein structure and function (SIFT, PolyPhen-2, Align-GVGD) all suggest that this variant is likely to be tolerated. This variant has not been reported in the literature in individuals affected with IRAK4-related conditions. This variant is not present in population databases (gnomAD no frequency). This sequence change replaces lysine, which is basic and polar, with glutamic acid, which is acidic and polar, at codon 443 of the IRAK4 protein (p.Lys443Glu).

NM_016123.4(IRAK4):c.1327A>G (p.Lys443Glu)

Gene: IRAK4 (interleukin 1 receptor associated kinase 4; plus strand). Cytogenetic location: 12q12.
Variant type: single nucleotide variant.
Coding change: c.1327A>G on transcript NM_016123.4 (MANE Select); coding-DNA position 1327, A replaced by G.
Protein change: p.Lys443Glu; replaces lysine 443 with glutamic acid.
Molecular consequence: missense variant.
Genome position (GRCh38, 1-based): chr12:43,786,537, A>G. VCF-style: chr12-43786537-A-G. GRCh37 (hg19) VCF-style: chr12-44180340-A-G.
Other names: c.1327A>G, p.Lys443Glu (NM_001114182.3, NM_001351345.2); c.955A>G, p.Lys319Glu (NM_001145256.2, NM_001145257.2, NM_001145258.2 and 5 more transcripts); c.718A>G, p.Lys240Glu (NM_001351343.2, NM_001351344.2); short protein forms K319E, K240E, K443E.
Identifiers: ClinVar variation 2003906 (VCV002003906.4), dbSNP rs2540505764, ClinGen allele CA384478362.